The following is an entry in ClinVar:

ClinVar aggregate classification (germline): Uncertain significance (1 of 4 stars; one submission).

Submission:

GeneDx
Classification: Uncertain significance. Last evaluated: 2020-02-05. Review status: criteria provided, single submitter. Criteria: GeneDx Variant Classification Process June 2021. Collection method: clinical testing. Allele origin: germline. Affected: yes.
Comment: Not observed in large population cohorts (Lek et al., 2016); In silico analysis supports a deleterious effect on splicing; Has not been previously published as pathogenic or benign to our knowledge

NM_018489.3(ASH1L):c.4313A>G (p.Lys1438Arg)

Gene: ASH1L (ASH1 like histone lysine methyltransferase; minus strand). Cytogenetic location: 1q22.
Variant type: single nucleotide variant.
Coding change: c.4313A>G on transcript NM_018489.3 (MANE Select); coding-DNA position 4313, A replaced by G.
Protein change: p.Lys1438Arg; replaces lysine 1438 with arginine.
Molecular consequence: missense variant.
Genome position (GRCh38, 1-based): chr1:155,478,557, T>C on the plus strand (A>G on the coding strand, the complement: ASH1L is on the minus strand). VCF-style: chr1-155478557-T-C. GRCh37 (hg19) VCF-style: chr1-155448348-T-C.
Other names: c.4313A>G, p.Lys1438Arg (NM_001366177.2); short protein forms K1438R.
Identifiers: ClinVar variation 1315607 (VCV001315607.2), dbSNP rs2148720595, ClinGen allele CA342703183.
Genomic context (GRCh38, chr1:155,478,557, plus strand): 5'-GTCCTGCTGGTTGTAAGAAAGGCCTCCTGTCGAAGTAGCTTATGCTTTTTCTTATGGTAT[T>C]TGGCAGGATTGAGAAGTAAATGACCAGCATGCATATAGGAAGGAGGTGGAAGTGGCGTGG-3'
Protein context (NP_060959.2, residues 1428-1448): HAGHLLLNPA[Lys1438Arg]YHKKKHKLLR